The following is an entry in ClinVar:

ClinVar aggregate classification (germline): Uncertain significance. Review status: criteria provided, multiple submitters, no conflicts (2 of 4 stars). 2 submissions from 2 submitters: Uncertain significance (2). Last evaluated 2025-08-13.

Conditions:
Hydrocephalus, nonsyndromic, autosomal recessive 1 (HYC1). Also called: Hydrocephalus, nonsyndromic, autosomal recessive; Congenital hydrocephalus 1. Identifiers: Orphanet 2185, MedGen C3887608, MONDO:0009360, OMIM 236600.

gnomAD v4.1: 8 of 1,613,572 alleles (0.0005%); highest among the groups gnomAD compares: Middle Eastern, 0.016%; no homozygotes.

Submissions (2):

Myriad Genetics, Inc.
Classification: Uncertain significance for Hydrocephalus, nonsyndromic, autosomal recessive 1. Last evaluated: 2025-08-13. Review status: criteria provided, single submitter. Criteria: Myriad Autosomal Dominant, Autosomal Recessive and X-Linked Classification Criteria (2023). Collection method: clinical testing. Allele origin: unknown.
Comment: NM_001080414.3(CCDC88C):c.1867G>T(A623S) is a missense variant classified as a variant of uncertain significance in the context of congenital hydrocephalus, CCDC88C-related. A623S has not been observed in cases with relevant disease. Relevant functional assessments of this variant are not available in the literature. A623S has been observed in referenced population frequency databases. In summary, there is insufficient evidence to classify NM_001080414.3(CCDC88C):c.1867G>T(A623S) as pathogenic or benign. Please note: this variant was assessed in the context of healthy population screening.

Labcorp Genetics (formerly Invitae), Labcorp
Classification: Uncertain significance. Last evaluated: 2025-04-14. Review status: criteria provided, single submitter. Criteria: Invitae Variant Classification Sherloc (09022015). Collection method: clinical testing. Allele origin: germline.
Comment: This sequence change replaces alanine, which is neutral and non-polar, with serine, which is neutral and polar, at codon 623 of the CCDC88C protein (p.Ala623Ser). This variant is present in population databases (rs754440773, gnomAD 0.0009%). This variant has not been reported in the literature in individuals affected with CCDC88C-related conditions. An algorithm developed to predict the effect of missense changes on protein structure and function (PolyPhen-2) suggests that this variant is likely to be tolerated. In summary, the available evidence is currently insufficient to determine the role of this variant in disease. Therefore, it has been classified as a Variant of Uncertain Significance.

NM_001080414.4(CCDC88C):c.1867G>T (p.Ala623Ser)

Gene: CCDC88C (coiled-coil and HOOK domain protein 88C; minus strand). Cytogenetic location: 14q32.11.
Variant type: single nucleotide variant.
Coding change: c.1867G>T on transcript NM_001080414.4 (MANE Select); coding-DNA position 1867, G replaced by T.
Protein change: p.Ala623Ser; replaces alanine 623 with serine.
Molecular consequence: missense variant. On other transcripts: non-coding transcript variant (2).
Genome position (GRCh38, 1-based): chr14:91,313,949, C>A on the plus strand (G>T on the coding strand, the complement: CCDC88C is on the minus strand). VCF-style: chr14-91313949-C-A. GRCh37 (hg19) VCF-style: chr14-91780293-C-A.
Other names: short protein forms A623S.
Identifiers: ClinVar variation 4777726 (VCV004777726.2).